The following is an entry in ClinVar:

NC_000023.11:g.(?_32809473)_(32816660_?)del

Gene: DMD (dystrophin; minus strand). Cytogenetic location: Xp21.1.
Variant type: Deletion.
Identifiers: ClinVar variation 583965 (VCV000583965.1).

ClinVar aggregate classification (germline): Pathogenic (1 of 4 stars; one submission).

Conditions:
Duchenne muscular dystrophy (DMD). Also called: MUSCULAR DYSTROPHY, PSEUDOHYPERTROPHIC PROGRESSIVE, DUCHENNE TYPE; Duchenne Muscular Dystrophy (DMD). Identifiers: Orphanet 98896, MedGen C0013264, MONDO:0010679, OMIM 310200.

Submission:

Labcorp Genetics (formerly Invitae), Labcorp
Classification: Pathogenic for Duchenne muscular dystrophy. Last evaluated: 2018-06-21. Review status: criteria provided, single submitter. Criteria: Invitae Variant Classification Sherloc (09022015). Collection method: clinical testing. Allele origin: germline.
Comment: This variant is an out-of-frame deletion of the genomic region encompassing exons 6-7 of the DMD gene. This is expected to create a premature translational stop signal and result in an absent or disrupted protein product. This variant has been observed in an individual affected with DMD-related dystrophinopathy (PMID: 16030524). Loss-of-function variants in DMD are known to be pathogenic (PMID: 16770791, 25007885). For these reasons, this variant has been classified as Pathogenic.

Literature cited by the submitters: PubMed 16030524.